The following is an entry in ClinVar:

NM_002691.4(POLD1):c.1776-52C>T

Gene: POLD1 (DNA polymerase delta 1, catalytic subunit; plus strand). Cytogenetic location: 19q13.33.
Variant type: single nucleotide variant.
Coding change: c.1776-52C>T on transcript NM_002691.4 (MANE Select); 52 bases into the intron before coding-DNA position 1776, C replaced by T.
Molecular consequence: intron variant. On other transcripts: missense variant (1).
Genome position (GRCh38, 1-based): chr19:50,408,733, C>T. VCF-style: chr19-50408733-C-T. GRCh37 (hg19) VCF-style: chr19-50911990-C-T.
Other names: c.1802C>T, p.Ala601Val (NM_001308632.1); c.1776-52C>T (NM_001256849.1, NM_001438212.1, NM_001438213.1 and 2 more transcripts); short protein forms A601V.
Identifiers: ClinVar variation 4985874 (VCV004985874.1).

ClinVar aggregate classification (germline): Likely benign (1 of 4 stars; one submission).

Conditions:
POLD1-related disorder. Also called: POLD1-related condition; POLD1-related disorders.

gnomAD v4.1: 15 of 1,591,488 alleles (0.00094%); highest among the groups gnomAD compares: African/African-American, 0.0054%; no homozygotes.

Submission:

PreventionGenetics, part of Exact Sciences
Classification: Likely benign for POLD1-related condition. Last evaluated: 2024-12-06. Review status: criteria provided, single submitter. Criteria: ACMG Guidelines, 2015. Collection method: clinical testing. Allele origin: germline.
Comment: This variant is classified as likely benign based on ACMG/AMP sequence variant interpretation guidelines (Richards et al. 2015 PMID: 25741868, with internal and published modifications).